The following is an entry in ClinVar:

NM_032578.4(MYPN):c.805C>G (p.Pro269Ala)

Gene: MYPN (myopalladin; plus strand). Cytogenetic location: 10q21.3.
Variant type: single nucleotide variant.
Coding change: c.805C>G on transcript NM_032578.4 (MANE Select); coding-DNA position 805, C replaced by G.
Protein change: p.Pro269Ala; replaces proline 269 with alanine.
Molecular consequence: missense variant. On other transcripts: 5 prime UTR variant (1), non-coding transcript variant (1).
Genome position (GRCh38, 1-based): chr10:68,122,243, C>G. VCF-style: chr10-68122243-C-G. GRCh37 (hg19) VCF-style: chr10-69882000-C-G.
Other names: c.805C>G, p.Pro269Ala (NM_001256267.2); c.-318C>G (NM_001256268.2); short protein forms P269A.
Identifiers: ClinVar variation 4841978 (VCV004841978.1).

ClinVar aggregate classification (germline): Uncertain significance (1 of 4 stars; one submission).

Conditions:
Cardiovascular phenotype. Identifiers: MedGen CN230736.

gnomAD v4.1: 9 of 1,613,328 alleles (0.00056%); highest among the groups gnomAD compares: South Asian, 0.0088%; no homozygotes.

Submission:

Ambry Genetics
Classification: Uncertain significance for Cardiovascular phenotype. Last evaluated: 2026-02-11. Review status: criteria provided, single submitter. Criteria: Ambry Variant Classification Scheme 2023. Collection method: clinical testing. Allele origin: germline.
Comment: The p.P269A variant (also known as c.805C>G), located in coding exon 1 of the MYPN gene, results from a C to G substitution at nucleotide position 805. The proline at codon 269 is replaced by alanine, an amino acid with highly similar properties. This variant was reported in individual(s) with features consistent with pediatric cardiomyopathy (Ware SM et al. Am J Hum Genet, 2022 Feb;109:282-298). This amino acid position is highly conserved in available vertebrate species. In addition, this alteration is predicted to be deleterious by in silico analysis. Based on the available evidence, the clinical significance of this variant remains unclear.

Literature cited by the submitters: PubMed 35026164.